The following is an entry in ClinVar:

ClinVar aggregate classification (germline): Uncertain significance (1 of 4 stars; one submission).

Submission:

Labcorp Genetics (formerly Invitae), Labcorp
Classification: Uncertain significance. Last evaluated: 2025-12-13. Review status: criteria provided, single submitter. Criteria: Invitae Variant Classification Sherloc (09022015). Collection method: clinical testing. Allele origin: germline.
Comment: This sequence change replaces phenylalanine, which is neutral and non-polar, with cysteine, which is neutral and slightly polar, at codon 65 of the RHAG protein (p.Phe65Cys). This variant is not present in population databases (gnomAD no frequency). This variant has not been reported in the literature in individuals affected with RHAG-related conditions. Invitae Evidence Modeling of protein sequence and biophysical properties (such as structural, functional, and spatial information, amino acid conservation, physicochemical variation, residue mobility, and thermodynamic stability) indicates that this missense variant is expected to disrupt RHAG protein function with a positive predictive value of 80%. This variant disrupts the p.Phe65 amino acid residue in RHAG. Other variant(s) that disrupt this residue have been determined to be pathogenic (PMID: 18931342, 21849667, 22012326, 23967154). This suggests that this residue is clinically significant, and that variants that disrupt this residue are likely to be disease-causing. In summary, the available evidence is currently insufficient to determine the role of this variant in disease. Therefore, it has been classified as a Variant of Uncertain Significance.

Literature cited by the submitters: PubMed 18931342; PubMed 21849667; PubMed 22012326; PubMed 23967154.

NM_000324.3(RHAG):c.194T>G (p.Phe65Cys)

Gene: RHAG (Rh associated glycoprotein; minus strand). Cytogenetic location: 6p12.3.
Variant type: single nucleotide variant.
Coding change: c.194T>G on transcript NM_000324.3 (MANE Select); coding-DNA position 194, T replaced by G.
Protein change: p.Phe65Cys; replaces phenylalanine 65 with cysteine.
Molecular consequence: missense variant.
Genome position (GRCh38, 1-based): chr6:49,619,326, A>C on the plus strand (T>G on the coding strand, the complement: RHAG is on the minus strand). VCF-style: chr6-49619326-A-C. GRCh37 (hg19) VCF-style: chr6-49587039-A-C.
Other names: short protein forms F65C.
Identifiers: ClinVar variation 4745794 (VCV004745794.1).